The following is an entry in ClinVar:

NM_001382508.1(DROSHA):c.631C>A (p.Pro211Thr)

Gene: DROSHA (drosha ribonuclease III; minus strand). Cytogenetic location: 5p13.3.
Variant type: single nucleotide variant.
Coding change: c.631C>A on transcript NM_001382508.1 (MANE Select); coding-DNA position 631, C replaced by A.
Protein change: p.Pro211Thr; replaces proline 211 with threonine.
Molecular consequence: missense variant.
Genome position (GRCh38, 1-based): chr5:31,526,302, G>T on the plus strand (C>A on the coding strand, the complement: DROSHA is on the minus strand). VCF-style: chr5-31526302-G-T. GRCh37 (hg19) VCF-style: chr5-31526409-G-T.
Other names: c.631C>A, p.Pro211Thr (NM_001100412.2, NM_013235.5); short protein forms P211T.
Identifiers: ClinVar variation 2636054 (VCV002636054.1), dbSNP rs202227062, ClinGen allele CA3217915.

ClinVar aggregate classification (germline): Uncertain significance (1 of 4 stars; one submission).

Conditions:
DROSHA-related disorder. Also called: DROSHA-related condition.

Allele frequency attached by ClinVar (database versions not stated): TOPMed 0.00006; ESP Exome Variant Server 0.00008; ExAC 0.00026.
gnomAD v4.1: 193 of 1,613,756 alleles (0.012%); highest among the groups gnomAD compares: Non-Finnish European, 0.015%; no homozygotes.

Submission:

PreventionGenetics, part of Exact Sciences
Classification: Uncertain significance for DROSHA-related condition. Last evaluated: 2023-04-27. Review status: criteria provided, single submitter. Criteria: ACMG Guidelines, 2015. Collection method: clinical testing. Allele origin: germline.
Comment: The DROSHA c.631C>A variant is predicted to result in the amino acid substitution p.Pro211Thr. To our knowledge, this variant has not been reported in the literature. This variant is reported in 0.030% of alleles in individuals of European (Non-Finnish) descent in gnomAD. Although we suspect that this variant may be benign, at this time, the clinical significance of this variant is uncertain due to the absence of conclusive functional and genetic evidence.